The following is an entry in ClinVar:

ClinVar aggregate classification (germline): Uncertain significance (1 of 4 stars; one submission).

gnomAD v4.1: 2 of 1,597,508 alleles (0.00013%); highest among the groups gnomAD compares: African/African-American, 0.0027%; no homozygotes.

Submission:

Labcorp Genetics (formerly Invitae), Labcorp
Classification: Uncertain significance. Last evaluated: 2024-08-31. Review status: criteria provided, single submitter. Criteria: Invitae Variant Classification Sherloc (09022015). Collection method: clinical testing. Allele origin: germline.
Comment: This sequence change replaces methionine, which is neutral and non-polar, with lysine, which is basic and polar, at codon 528 of the RIMS1 protein (p.Met528Lys). This variant is not present in population databases (gnomAD no frequency). This variant has not been reported in the literature in individuals affected with RIMS1-related conditions. An algorithm developed to predict the effect of missense changes on protein structure and function (PolyPhen-2) suggests that this variant is likely to be tolerated. In summary, the available evidence is currently insufficient to determine the role of this variant in disease. Therefore, it has been classified as a Variant of Uncertain Significance.

NM_014989.7(RIMS1):c.1583T>A (p.Met528Lys)

Gene: RIMS1 (regulating synaptic membrane exocytosis 1; plus strand). Cytogenetic location: 6q13.
Variant type: single nucleotide variant.
Coding change: c.1583T>A on transcript NM_014989.7 (MANE Select); coding-DNA position 1583, T replaced by A.
Protein change: p.Met528Lys; replaces methionine 528 with lysine.
Molecular consequence: missense variant.
Genome position (GRCh38, 1-based): chr6:72,183,054, T>A. VCF-style: chr6-72183054-T-A. GRCh37 (hg19) VCF-style: chr6-72892757-T-A.
Other names: short protein forms M528K.
Identifiers: ClinVar variation 3696294 (VCV003696294.2).